The following is an entry in ClinVar:

ClinVar aggregate classification (germline): Uncertain significance. Review status: criteria provided, multiple submitters, no conflicts (2 of 4 stars). 6 submissions from 6 submitters: Uncertain significance (6). Last evaluated 2026-05-29.

Conditions:
Inborn genetic diseases. Identifiers: MedGen C0950123, MeSH D030342.
Cerebellar atrophy, developmental delay, and seizures. Identifiers: MedGen C4539985, MONDO:0060551, OMIM 617643.
Generalized epilepsy-paroxysmal dyskinesia syndrome (PNKD3). Also called: Generalized epilepsy and paroxysmal dyskinesia; Paroxysmal nonkinesigenic dyskinesia, 3, with or without generalized epilepsy. Identifiers: Orphanet 79137, MedGen C5574945, MONDO:0012276, OMIM 609446.

Allele frequency attached by ClinVar (database versions not stated): ExAC 0.00019; TOPMed 0.00008; gnomAD 0.00004; gnomAD exomes 0.00019.
gnomAD v4.1: 42 of 1,563,782 alleles (0.0027%); highest among the groups gnomAD compares: Admixed American, 0.075%; no homozygotes.

Submissions (6):

GeneDx
Classification: Uncertain significance. Last evaluated: 2026-05-29. Review status: criteria provided, single submitter. Criteria: GeneDx Variant Classification Process June 2021. Collection method: clinical testing. Allele origin: germline.
Comment: In silico analysis suggests that this missense variant does not alter protein structure/function; Has not been previously published as pathogenic or benign to our knowledge; This variant is associated with the following publications: (PMID: 37906945)

ARUP Laboratories, Molecular Genetics and Genomics, ARUP Laboratories
Classification: Uncertain significance. Last evaluated: 2025-05-16. Review status: criteria provided, single submitter. Criteria: ARUP Molecular Germline Variant Investigation Process 2024. Collection method: clinical testing. Allele origin: germline.

Labcorp Genetics (formerly Invitae), Labcorp
Classification: Uncertain significance for Generalized epilepsy-paroxysmal dyskinesia syndrome. Last evaluated: 2025-01-29. Review status: criteria provided, single submitter. Criteria: Invitae Variant Classification Sherloc (09022015). Collection method: clinical testing. Allele origin: germline.
Comment: This sequence change replaces serine, which is neutral and polar, with phenylalanine, which is neutral and non-polar, at codon 41 of the KCNMA1 protein (p.Ser41Phe). The frequency data for this variant in the population databases is considered unreliable, as metrics indicate poor data quality at this position in the gnomAD database. This variant has not been reported in the literature in individuals affected with KCNMA1-related conditions. ClinVar contains an entry for this variant (Variation ID: 854906). An algorithm developed to predict the effect of missense changes on protein structure and function (PolyPhen-2) suggests that this variant is likely to be disruptive. In summary, the available evidence is currently insufficient to determine the role of this variant in disease. Therefore, it has been classified as a Variant of Uncertain Significance.

Ambry Genetics
Classification: Uncertain significance for Inborn genetic diseases. Last evaluated: 2024-07-14. Review status: criteria provided, single submitter. Criteria: Ambry Variant Classification Scheme 2023. Collection method: clinical testing. Allele origin: germline.

Blueprint Genetics
Classification: Uncertain significance. Last evaluated: 2020-08-24. Review status: criteria provided, single submitter. Criteria: ACMG Guidelines, 2015. Collection method: clinical testing. Allele origin: germline.

New York Genome Center
Classification: Uncertain significance for Cerebellar atrophy, developmental delay, and seizures. Last evaluated: 2020-05-01. Review status: criteria provided, single submitter. Criteria: NYGC Assertion Criteria 2020. Collection method: clinical testing. Allele origin: maternal. Observed: 1 heterozygote. Study: CSER-NYCKidSeq. Segregation with disease not observed.

NM_001161352.2(KCNMA1):c.122C>T (p.Ser41Phe)

Gene: KCNMA1 (potassium calcium-activated channel subfamily M alpha 1; minus strand). Cytogenetic location: 10q22.3.
Variant type: single nucleotide variant.
Coding change: c.122C>T on transcript NM_001161352.2 (MANE Select); coding-DNA position 122, C replaced by T.
Protein change: p.Ser41Phe; replaces serine 41 with phenylalanine.
Molecular consequence: missense variant.
Genome position (GRCh38, 1-based): chr10:77,637,521, G>A on the plus strand (C>T on the coding strand, the complement: KCNMA1 is on the minus strand). VCF-style: chr10-77637521-G-A. GRCh37 (hg19) VCF-style: chr10-79397279-G-A.
Other names: c.122C>T, p.Ser41Phe (NM_001014797.3, NM_001161353.2, NM_001271518.2 and 12 more transcripts); short protein forms S41F.
Identifiers: ClinVar variation 854906 (VCV000854906.13), dbSNP rs766759815, ClinGen allele CA5568805.